The following is an entry in ClinVar:

ClinVar aggregate classification (germline): Uncertain significance (1 of 4 stars; one submission).

Allele frequency attached by ClinVar (database versions not stated): ExAC 0.00001; gnomAD 0.00001; gnomAD exomes 0.00001 and 0.00002.
gnomAD v4.1: 9 of 1,614,014 alleles (0.00056%); highest among the groups gnomAD compares: East Asian, 0.018%; no homozygotes.

Submission:

Labcorp Genetics (formerly Invitae), Labcorp
Classification: Uncertain significance. Last evaluated: 2024-03-28. Review status: criteria provided, single submitter. Criteria: Invitae Variant Classification Sherloc (09022015). Collection method: clinical testing. Allele origin: germline.
Comment: This sequence change replaces histidine, which is basic and polar, with tyrosine, which is neutral and polar, at codon 1744 of the MTOR protein (p.His1744Tyr). This variant is present in population databases (rs751226640, gnomAD 0.02%). This variant has not been reported in the literature in individuals affected with MTOR-related conditions. ClinVar contains an entry for this variant (Variation ID: 972512). Advanced modeling of protein sequence and biophysical properties (such as structural, functional, and spatial information, amino acid conservation, physicochemical variation, residue mobility, and thermodynamic stability) performed at Invitae indicates that this missense variant is not expected to disrupt MTOR protein function with a negative predictive value of 95%. In summary, the available evidence is currently insufficient to determine the role of this variant in disease. Therefore, it has been classified as a Variant of Uncertain Significance.

NM_004958.4(MTOR):c.5230C>T (p.His1744Tyr)

Gene: MTOR (mechanistic target of rapamycin kinase; minus strand). Cytogenetic location: 1p36.22.
Variant type: single nucleotide variant.
Coding change: c.5230C>T on transcript NM_004958.4 (MANE Select); coding-DNA position 5230, C replaced by T.
Protein change: p.His1744Tyr; replaces histidine 1744 with tyrosine.
Molecular consequence: missense variant.
Genome position (GRCh38, 1-based): chr1:11,134,367, G>A on the plus strand (C>T on the coding strand, the complement: MTOR is on the minus strand). VCF-style: chr1-11134367-G-A. GRCh37 (hg19) VCF-style: chr1-11194424-G-A.
Other names: short protein forms H1744Y.
Identifiers: ClinVar variation 972512 (VCV000972512.10), dbSNP rs751226640, ClinGen allele CA589417.
Genomic context (GRCh38, chr1:11,134,367, plus strand): 5'-ACAGGGCTGGAATATGACTTGCCCCAGGTCAGTGGGGACCTCACCGGGCCATGAGCTTGT[G>A]CAGTTCCTGCTTATGCTGCTGGTCCTCAGTAGCGATGGCATGCTGGGCCTGTTGCTGCAT-3'
Protein context (NP_004949.1, residues 1734-1754): TEDQQHKQEL[His1744Tyr]KLMARCFLKL